The following is an entry in ClinVar:

ClinVar aggregate classification (germline): Uncertain significance (1 of 4 stars; one submission).

Conditions:
Tumor predisposition syndrome 3 (TPDS3). Also called: Melanoma, cutaneous malignant, susceptibility to, 10; LONG TELOMERE SYNDROME, POT1-RELATED; POT1 Tumor Predisposition; Glioma susceptibility 9. Identifiers: Orphanet 618, MedGen C4014476, MONDO:0014368, OMIM 615848.

gnomAD v4.1: 1 of 1,595,726 alleles (0.000063%); highest among the groups gnomAD compares: South Asian, 0.0011%; no homozygotes.

Submission:

Labcorp Genetics (formerly Invitae), Labcorp
Classification: Uncertain significance for Tumor predisposition syndrome 3. Last evaluated: 2023-09-26. Review status: criteria provided, single submitter. Criteria: Invitae Variant Classification Sherloc (09022015). Collection method: clinical testing. Allele origin: germline.
Comment: This sequence change replaces alanine, which is neutral and non-polar, with serine, which is neutral and polar, at codon 530 of the POT1 protein (p.Ala530Ser). The frequency data for this variant in the population databases is considered unreliable, as metrics indicate poor data quality at this position in the gnomAD database. This variant has not been reported in the literature in individuals affected with POT1-related conditions. Advanced modeling of protein sequence and biophysical properties (such as structural, functional, and spatial information, amino acid conservation, physicochemical variation, residue mobility, and thermodynamic stability) performed at Invitae indicates that this missense variant is not expected to disrupt POT1 protein function. In summary, the available evidence is currently insufficient to determine the role of this variant in disease. Therefore, it has been classified as a Variant of Uncertain Significance.

NM_015450.3(POT1):c.1588G>T (p.Ala530Ser)

Gene: POT1 (protection of telomeres 1; minus strand). Cytogenetic location: 7q31.33.
Variant type: single nucleotide variant.
Coding change: c.1588G>T on transcript NM_015450.3 (MANE Select); coding-DNA position 1588, G replaced by T.
Protein change: p.Ala530Ser; replaces alanine 530 with serine.
Molecular consequence: missense variant. On other transcripts: non-coding transcript variant (2).
Genome position (GRCh38, 1-based): chr7:124,829,260, C>A on the plus strand (G>T on the coding strand, the complement: POT1 is on the minus strand). VCF-style: chr7-124829260-C-A. GRCh37 (hg19) VCF-style: chr7-124469314-C-A.
Other names: c.1195G>T, p.Ala399Ser (NM_001042594.2); short protein forms A530S, A399S.
Identifiers: ClinVar variation 2778257 (VCV002778257.3), dbSNP rs1180650416, ClinGen allele CA369064303.
Genomic context (GRCh38, chr7:124,829,260, plus strand): 5'-AAATAACCTTGTAAACAAACAGTTAAAATTGCAGGGCATGGAAATTTAGCTAACCTTCTG[C>A]CACAGAAGAAGGAATCCACGATGTTTTATCAACCAGGGAATTTAGATTTTGTATGGATCT-3'
Protein context (NP_056265.2, residues 520-540): DKTSWIPSSV[Ala530Ser]EALGIVPLQY